The following is an entry in ClinVar:

ClinVar aggregate classification (germline): Uncertain significance (1 of 4 stars; one submission).

Submission:

Ambry Genetics
Classification: Uncertain significance. Last evaluated: 2026-03-30. Review status: criteria provided, single submitter. Criteria: Ambry Variant Classification Scheme 2023. Collection method: clinical testing. Allele origin: germline.
Comment: The p.S385P variant (also known as c.1153T>C), located in coding exon 11 of the SRP72 gene, results from a T to C substitution at nucleotide position 1153. The serine at codon 385 is replaced by proline, an amino acid with similar properties. This amino acid position is conserved. In addition, the in silico prediction for this alteration is inconclusive. Based on the available evidence, the clinical significance of this variant remains unclear.

NM_006947.4(SRP72):c.1153T>C (p.Ser385Pro)

Gene: SRP72 (signal recognition particle 72; plus strand). Cytogenetic location: 4q12.
Variant type: single nucleotide variant.
Coding change: c.1153T>C on transcript NM_006947.4 (MANE Select); coding-DNA position 1153, T replaced by C.
Protein change: p.Ser385Pro; replaces serine 385 with proline.
Molecular consequence: missense variant. On other transcripts: non-coding transcript variant (1).
Genome position (GRCh38, 1-based): chr4:56,486,391, T>C. VCF-style: chr4-56486391-T-C. GRCh37 (hg19) VCF-style: chr4-57352557-T-C.
Other names: c.970T>C, p.Ser324Pro (NM_001267722.2); short protein forms S324P, S385P.
Identifiers: ClinVar variation 4865120 (VCV004865120.1).
Genomic context (GRCh38, chr4:56,486,391, plus strand): 5'-TCAGATCAGCATCCAGAAAATGCAGCTGAAATTAAGCTGACCATGGCACAGTTGAAAATT[T>C]CTCAAGGTATTATGGTTTTCATCATGATTAAAATATTTTAATGAAAACATGTTTGGAATG-3'
Protein context (NP_008878.3, residues 375-395): IKLTMAQLKI[Ser385Pro]QGNISKACLI